The following is an entry in ClinVar:

NM_018451.5(CPAP):c.773G>C (p.Arg258Pro)

Gene: CPAP (centrosome assembly and centriole elongation protein; minus strand). Cytogenetic location: 13q12.13.
Variant type: single nucleotide variant.
Coding change: c.773G>C on transcript NM_018451.5 (MANE Select); coding-DNA position 773, G replaced by C.
Protein change: p.Arg258Pro; replaces arginine 258 with proline.
Molecular consequence: missense variant. On other transcripts: non-coding transcript variant (2).
Genome position (GRCh38, 1-based): chr13:24,909,882, C>G on the plus strand (G>C on the coding strand, the complement: CPAP is on the minus strand). VCF-style: chr13-24909882-C-G. GRCh37 (hg19) VCF-style: chr13-25484020-C-G.
Other names: short protein forms R258P.
Identifiers: ClinVar variation 2118607 (VCV002118607.3), dbSNP rs773425249, ClinGen allele CA6919927.
Genomic context (GRCh38, chr13:24,909,882, plus strand): 5'-TTATTTTTTTCCACAGGTGCTTCTTGATACTGTGCCTCAGAAAATAAATTAGGAGACGCA[C>G]GTTTTGAAGTTAAGACAAAATCTCCATGAGCAGTTCTACAGAAGTTGCTTTGCTCATGGG-3'
Protein context (NP_060921.3, residues 248-268): AHGDFVLTSK[Arg258Pro]ASPNLFSEAQ

ClinVar aggregate classification (germline): Uncertain significance (1 of 4 stars; one submission).

Allele frequency attached by ClinVar (database versions not stated): gnomAD 0.00001.
gnomAD v4.1: 6 of 1,613,780 alleles (0.00037%); highest among the groups gnomAD compares: Admixed American, 0.0083%; no homozygotes.

Submission:

Labcorp Genetics (formerly Invitae), Labcorp
Classification: Uncertain significance. Last evaluated: 2024-06-22. Review status: criteria provided, single submitter. Criteria: Invitae Variant Classification Sherloc (09022015). Collection method: clinical testing. Allele origin: germline.
Comment: This sequence change replaces arginine, which is basic and polar, with proline, which is neutral and non-polar, at codon 258 of the CENPJ protein (p.Arg258Pro). This variant is present in population databases (rs773425249, gnomAD 0.006%). This variant has not been reported in the literature in individuals affected with CENPJ-related conditions. ClinVar contains an entry for this variant (Variation ID: 2118607). An algorithm developed to predict the effect of missense changes on protein structure and function (PolyPhen-2) suggests that this variant is likely to be tolerated. In summary, the available evidence is currently insufficient to determine the role of this variant in disease. Therefore, it has been classified as a Variant of Uncertain Significance.